The following is an entry in ClinVar:

ClinVar aggregate classification (germline): Pathogenic (1 of 4 stars; one submission).

Conditions:
Immunodeficiency-centromeric instability-facial anomalies syndrome 2 (ICF2). Identifiers: Orphanet 2268, MedGen C3279748, MONDO:0013553, OMIM 614069.

Submission:

Labcorp Genetics (formerly Invitae), Labcorp
Classification: Pathogenic for Immunodeficiency-centromeric instability-facial anomalies syndrome 2. Last evaluated: 2025-09-08. Review status: criteria provided, single submitter. Criteria: Invitae Variant Classification Sherloc (09022015). Collection method: clinical testing. Allele origin: germline.
Comment: This sequence change creates a premature translational stop signal (p.Lys297*) in the ZBTB24 gene. It is expected to result in an absent or disrupted protein product. Loss-of-function variants in ZBTB24 are known to be pathogenic (PMID: 21596365). This variant is not present in population databases (gnomAD no frequency). This variant has not been reported in the literature in individuals affected with ZBTB24-related conditions. ClinVar contains an entry for this variant (Variation ID: 951999). For these reasons, this variant has been classified as Pathogenic.

Literature cited by the submitters: PubMed 21596365.

NM_014797.3(ZBTB24):c.888dup (p.Lys297Ter)

Gene: ZBTB24 (zinc finger and BTB domain containing 24; minus strand). Cytogenetic location: 6q21.
Variant type: Duplication.
Coding change: c.888dup on transcript NM_014797.3 (MANE Select); coding-DNA position 888, one base duplicated (T; older notation c.888dupT).
Protein change: p.Lys297Ter; replaces lysine 297 with a stop codon.
Molecular consequence: nonsense.
Genome position (GRCh38, 1-based): chr6:109,481,139, A duplicated on the plus strand (T on the coding strand, the reverse complement: ZBTB24 is on the minus strand). VCF-style (leftmost placement, unchanged base first): chr6-109481138-T-TA. GRCh37 (hg19) VCF-style: chr6-109802341-T-TA.
Other names: c.888dup, p.Lys297Ter (NM_001164313.2); short protein forms K297*.
Identifiers: ClinVar variation 951999 (VCV000951999.7), dbSNP rs1776399868, ClinGen allele CA1139659746.
Genomic context (GRCh38, chr6:109,481,138, plus strand): 5'-TGTGGCTCCTCTGGTGGATTGCTAAAAAGTGATTGTACTTAAAGACCTTGCCACAGTCTT[T>TA]ACAGCGGGCCTCAGGGCCTCCAGGGCGCTTTCTCCTTCCACAGATCCTCTTGGCTGAACC-3'